The following is an entry in ClinVar:

NM_000548.5(TSC2):c.145A>C (p.Ser49Arg)

Gene: TSC2 (TSC complex subunit 2; plus strand). Cytogenetic location: 16p13.3.
Variant type: single nucleotide variant.
Coding change: c.145A>C on transcript NM_000548.5 (MANE Select); coding-DNA position 145, A replaced by C.
Protein change: p.Ser49Arg; replaces serine 49 with arginine.
Molecular consequence: missense variant. On other transcripts: non-coding transcript variant (5), 5 prime UTR variant (25).
Genome position (GRCh38, 1-based): chr16:2,050,406, A>C. VCF-style: chr16-2050406-A-C. GRCh37 (hg19) VCF-style: chr16-2100407-A-C.
Other names: c.145A>C, p.Ser49Arg (NM_001077183.3, NM_001114382.3, NM_001318827.2 and 13 more transcripts); c.-3A>C (NM_001318829.2, NM_001406675.1, NM_001406676.1 and 2 more transcripts); c.-82A>C (NM_001318831.2, NM_001406682.1, NM_001406684.1 and 3 more transcripts); c.178A>C, p.Ser60Arg (NM_001318832.2); c.-672A>C (NM_001406680.1, NM_001406683.1, NM_001406687.1); c.-301A>C (NM_001406681.1); c.-1287A>C (NM_001406689.1, NM_001406690.1, NM_001406691.1 and 2 more transcripts); c.-1593A>C (NM_001406693.1); and 3 more; short protein forms S49R, S60R.
Identifiers: ClinVar variation 4823960 (VCV004823960.1).

ClinVar aggregate classification (germline): Uncertain significance (1 of 4 stars; one submission).

Conditions:
Hereditary cancer-predisposing syndrome. Also called: Neoplastic Syndromes, Hereditary; Hereditary neoplastic syndrome; Tumor predisposition; Hereditary Cancer Syndrome. Identifiers: Orphanet 140162, MedGen C0027672, MeSH D009386, MONDO:0015356.

Submission:

Ambry Genetics
Classification: Uncertain significance for Hereditary cancer-predisposing syndrome. Last evaluated: 2026-01-25. Review status: criteria provided, single submitter. Criteria: Ambry Variant Classification Scheme 2023. Collection method: clinical testing. Allele origin: germline.
Comment: The p.S49R variant (also known as c.145A>C), located in coding exon 2 of the TSC2 gene, results from an A to C substitution at nucleotide position 145. The serine at codon 49 is replaced by arginine, an amino acid with dissimilar properties. This amino acid position is conserved. In addition, the in silico prediction for this alteration is inconclusive. Based on the available evidence, the clinical significance of this variant remains unclear.